The following is an entry in ClinVar:

NM_001330311.2(DVL1):c.2084T>C (p.Met695Thr)

Gene: DVL1 (dishevelled segment polarity protein 1; minus strand). Cytogenetic location: 1p36.33.
Variant type: single nucleotide variant.
Coding change: c.2084T>C on transcript NM_001330311.2 (MANE Select); coding-DNA position 2084, T replaced by C.
Protein change: p.Met695Thr; replaces methionine 695 with threonine.
Molecular consequence: missense variant.
Genome position (GRCh38, 1-based): chr1:1,336,146, A>G on the plus strand (T>C on the coding strand, the complement: DVL1 is on the minus strand). VCF-style: chr1-1336146-A-G. GRCh37 (hg19) VCF-style: chr1-1271526-A-G.
Other names: c.2009T>C, p.Met670Thr (NM_004421.3); short protein forms M695T, M670T.
Identifiers: ClinVar variation 3005520 (VCV003005520.3), dbSNP rs566523601, ClinGen allele CA16749788.

ClinVar aggregate classification (germline): Uncertain significance (1 of 4 stars; one submission).

Allele frequency attached by ClinVar (database versions not stated): gnomAD exomes below 0.00001; TOPMed below 0.00001; gnomAD 0.00001.
gnomAD v4.1: 6 of 1,575,780 alleles (0.00038%); highest among the groups gnomAD compares: South Asian, 0.0023%; no homozygotes.

Submission:

Labcorp Genetics (formerly Invitae), Labcorp
Classification: Uncertain significance. Last evaluated: 2025-08-29. Review status: criteria provided, single submitter. Criteria: Invitae Variant Classification Sherloc (09022015). Collection method: clinical testing. Allele origin: germline.
Comment: This sequence change replaces methionine, which is neutral and non-polar, with threonine, which is neutral and polar, at codon 670 of the DVL1 protein (p.Met670Thr). The frequency data for this variant in the population databases is considered unreliable, as metrics indicate poor data quality at this position in the gnomAD database. This variant has not been reported in the literature in individuals affected with DVL1-related conditions. ClinVar contains an entry for this variant (Variation ID: 3005520). Experimental studies and prediction algorithms are not available or were not evaluated, and the functional significance of this variant is currently unknown. In summary, the available evidence is currently insufficient to determine the role of this variant in disease. Therefore, it has been classified as a Variant of Uncertain Significance.